The following is an entry in ClinVar:

NM_001354930.2(RIPK1):c.1112A>G (p.Glu371Gly)

Gene: RIPK1 (receptor interacting serine/threonine kinase 1; plus strand). Cytogenetic location: 6p25.2.
Variant type: single nucleotide variant.
Coding change: c.1112A>G on transcript NM_001354930.2 (MANE Select); coding-DNA position 1112, A replaced by G.
Protein change: p.Glu371Gly; replaces glutamic acid 371 with glycine.
Molecular consequence: missense variant.
Genome position (GRCh38, 1-based): chr6:3,105,587, A>G. VCF-style: chr6-3105587-A-G. GRCh37 (hg19) VCF-style: chr6-3105821-A-G.
Other names: c.623A>G, p.Glu208Gly (NM_001317061.3, NM_001354932.2, NM_001354933.2 and 1 more transcripts); c.974A>G, p.Glu325Gly (NM_001354931.2); c.1112A>G, p.Glu371Gly (NM_003804.6); short protein forms E208G, E325G, E371G.
Identifiers: ClinVar variation 3766083 (VCV003766083.4).

ClinVar aggregate classification (germline): Uncertain significance. Review status: criteria provided, multiple submitters, no conflicts (2 of 4 stars). 3 submissions from 3 submitters: Uncertain significance (3). Last evaluated 2025-08-29.

Submissions (3):

GeneDx
Classification: Uncertain significance. Last evaluated: 2025-08-29. Review status: criteria provided, single submitter. Criteria: GeneDx Variant Classification Process June 2021. Collection method: clinical testing. Allele origin: germline.
Comment: Not observed at significant frequency in large population cohorts (gnomAD); In silico analysis suggests that this missense variant does not alter protein structure/function; Has not been previously published as pathogenic or benign to our knowledge

Labcorp Genetics (formerly Invitae), Labcorp
Classification: Uncertain significance. Last evaluated: 2025-08-18. Review status: criteria provided, single submitter. Criteria: Invitae Variant Classification Sherloc (09022015). Collection method: clinical testing. Allele origin: germline.
Comment: This sequence change replaces glutamic acid, which is acidic and polar, with glycine, which is neutral and non-polar, at codon 371 of the RIPK1 protein (p.Glu371Gly). This variant is not present in population databases (gnomAD no frequency). This variant has not been reported in the literature in individuals affected with RIPK1-related conditions. ClinVar contains an entry for this variant (Variation ID: 3766083). An algorithm developed to predict the effect of missense changes on protein structure and function (PolyPhen-2) suggests that this variant is likely to be tolerated. In summary, the available evidence is currently insufficient to determine the role of this variant in disease. Therefore, it has been classified as a Variant of Uncertain Significance.

Blueprint Genetics
Classification: Uncertain significance. Last evaluated: 2020-11-04. Review status: criteria provided, single submitter. Criteria: ACMG Guidelines, 2015. Collection method: clinical testing. Allele origin: germline.